The following is an entry in ClinVar:

ClinVar aggregate classification (germline): Likely pathogenic (1 of 4 stars; one submission).

Conditions:
LZTR1-related schwannomatosis. Also called: Schwannomatosis-2, susceptibility to; Schwannomatosis 2. Identifiers: Orphanet 93921, MedGen C3810283, MONDO:0014299, OMIM 615670.

Submission:

Juno Genomics, Hangzhou Juno Genomics, Inc
Classification: Likely pathogenic for LZTR1-related schwannomatosis. Review status: criteria provided, single submitter. Criteria: ACMG Guidelines, 2015. Collection method: clinical testing. Allele origin: germline.
Comment: Null variant in a gene where loss of function (LOF) is a known mechanism of disease.;Absent from controls (or at extremely low frequency if recessive) in Genome Aggregation Database.

NM_006767.4(LZTR1):c.1440del (p.Arg480fs)

Gene: LZTR1 (leucine zipper like post translational regulator 1; plus strand). Cytogenetic location: 22q11.21.
Variant type: Deletion.
Coding change: c.1440del on transcript NM_006767.4 (MANE Select); coding-DNA position 1440, one base deleted (G; older notation c.1440delG).
Protein change: p.Arg480fs; shifts the reading frame from arginine 480.
Molecular consequence: frameshift variant.
Genome position (GRCh38, 1-based): chr22:20,994,010, G deleted; the last of 2 consecutive G bases (chr22:20,994,009-20,994,010); deleting either gives the same sequence. VCF-style (leftmost placement, unchanged base first): chr22-20994008-AG-A. GRCh37 (hg19) VCF-style: chr22-21348297-AG-A.
Other names: short protein forms R480fs.
Identifiers: ClinVar variation 5006457 (VCV005006457.2).